The following is an entry in ClinVar:

ClinVar aggregate classification (germline): Uncertain significance. Review status: criteria provided, multiple submitters, no conflicts (2 of 4 stars). 2 submissions from 2 submitters: Uncertain significance (2). Last evaluated 2026-09-10.

Conditions:
Myofibrillar myopathy 4. Also called: Zaspopathy (type). Identifiers: Orphanet 98912, MedGen C4721886, MONDO:0012277, OMIM 609452.
Cardiovascular phenotype. Identifiers: MedGen CN230736.

Allele frequency attached by ClinVar (database versions not stated): gnomAD exomes below 0.00001.
gnomAD v4.1: 7 of 1,613,080 alleles (0.00043%); highest among the groups gnomAD compares: Non-Finnish European, 0.00059%; no homozygotes.

Submissions (2):

Ambry Genetics
Classification: Uncertain significance for Cardiovascular phenotype. Last evaluated: 2026-09-10. Review status: criteria provided, single submitter. Criteria: Ambry Variant Classification Scheme 2023. Collection method: clinical testing. Allele origin: germline.

Labcorp Genetics (formerly Invitae), Labcorp
Classification: Uncertain significance for Myofibrillar myopathy 4. Last evaluated: 2025-02-26. Review status: criteria provided, single submitter. Criteria: Invitae Variant Classification Sherloc (09022015). Collection method: clinical testing. Allele origin: germline.
Comment: The LDB3 gene has multiple clinically relevant transcripts. This variant occurs in alternate transcript NM_007078.3, and corresponds to NM_001080116.1:c.*10631C>T in the primary transcript. This sequence change replaces arginine, which is basic and polar, with tryptophan, which is neutral and slightly polar, at codon 396 of the LDB3 protein (p.Arg396Trp). This variant is not present in population databases (gnomAD no frequency). This variant has not been reported in the literature in individuals affected with LDB3-related conditions. Experimental studies and prediction algorithms are not available or were not evaluated, and the functional significance of this variant is currently unknown. In summary, the available evidence is currently insufficient to determine the role of this variant in disease. Therefore, it has been classified as a Variant of Uncertain Significance.

NM_007078.3(LDB3):c.1186C>T (p.Arg396Trp)

Gene: LDB3 (LIM domain binding 3; plus strand). Cytogenetic location: 10q23.2.
Variant type: single nucleotide variant.
Coding change: c.1186C>T on transcript NM_007078.3 (MANE Select); coding-DNA position 1186, C replaced by T.
Protein change: p.Arg396Trp; replaces arginine 396 with tryptophan.
Molecular consequence: missense variant.
Genome position (GRCh38, 1-based): chr10:86,710,005, C>T. VCF-style: chr10-86710005-C-T. GRCh37 (hg19) VCF-style: chr10-88469762-C-T.
Other names: c.856C>T, p.Arg286Trp (NM_001080114.2); c.1201C>T, p.Arg401Trp (NM_001171610.2); c.997C>T, p.Arg333Trp (NM_001368064.1, NM_001368065.1); c.1045C>T, p.Arg349Trp (NM_001368066.1); short protein forms R349W, R396W, R401W, R286W, R333W.
Identifiers: ClinVar variation 1743521 (VCV001743521.6), dbSNP rs1381057453, ClinGen allele CA377448559.
Genomic context (GRCh38, chr10:86,710,005, plus strand): 5'-TCAGCACCTGCCACCCACACCAGCTACAGTGAGGGCCCCGCCGCCCCTGCACCCAAGCCC[C>T]GGGTTGTCACCACTGCCAGCATCCGGCCTTCTGTCTACCAGCCAGGTAAGAGGCAGAGCA-3'
Protein context (NP_009009.1, residues 386-406): EGPAAPAPKP[Arg396Trp]VVTTASIRPS